The following is an entry in ClinVar:

NM_020320.5(RARS2):c.396-2A>G

Gene: RARS2 (arginyl-tRNA synthetase 2, mitochondrial; minus strand). Cytogenetic location: 6q15.
Variant type: single nucleotide variant.
Coding change: c.396-2A>G on transcript NM_020320.5 (MANE Select); the canonical splice acceptor site of the intron before coding-DNA position 396, A replaced by G.
Molecular consequence: splice acceptor variant. On other transcripts: intron variant (2).
Genome position (GRCh38, 1-based): chr6:87,548,648, T>C on the plus strand (A>G on the coding strand, the complement: RARS2 is on the minus strand). VCF-style: chr6-87548648-T-C. GRCh37 (hg19) VCF-style: chr6-88258366-T-C.
Other names: c.-130-2A>G (NM_001350506.2, NM_001350510.2, NM_001350508.2 and 2 more transcripts); c.396-2A>G (NM_001350505.2); c.-74-2949A>G (NM_001350509.2, NM_001318785.2).
Identifiers: ClinVar variation 2721947 (VCV002721947.3), dbSNP rs2484309736, ClinGen allele CA364934408.

ClinVar aggregate classification (germline): Likely pathogenic (1 of 4 stars; one submission).

Submission:

Labcorp Genetics (formerly Invitae), Labcorp
Classification: Likely pathogenic. Last evaluated: 2023-06-28. Review status: criteria provided, single submitter. Criteria: Invitae Variant Classification Sherloc (09022015). Collection method: clinical testing. Allele origin: germline.
Comment: In summary, the currently available evidence indicates that the variant is pathogenic, but additional data are needed to prove that conclusively. Therefore, this variant has been classified as Likely Pathogenic. Algorithms developed to predict the effect of sequence changes on RNA splicing suggest that this variant may disrupt the consensus splice site. This variant has not been reported in the literature in individuals affected with RARS2-related conditions. This variant is not present in population databases (gnomAD no frequency). This sequence change affects an acceptor splice site in intron 5 of the RARS2 gene. It is expected to disrupt RNA splicing. Variants that disrupt the donor or acceptor splice site typically lead to a loss of protein function (PMID: 16199547), and loss-of-function variants in RARS2 are known to be pathogenic (PMID: 17847012, 22569581, 26083569).

Literature cited by the submitters: PubMed 16199547; PubMed 17847012; PubMed 22569581; PubMed 26083569.